The following is an entry in ClinVar:

ClinVar aggregate classification (germline): Uncertain significance. Review status: criteria provided, multiple submitters, no conflicts (2 of 4 stars). 3 submissions from 3 submitters: Uncertain significance (2). 1 of the submissions does not count toward it. Last evaluated 2025-03-19.

Conditions:
SCN8A-related disorder.
Early-infantile DEE. Also called: Early infantile epileptic encephalopathy; Early infantile epileptic encephalopathy with suppression bursts; Ohtahara syndrome. Identifiers: Orphanet 1934, MedGen C0393706, MONDO:0800491.
Seizures, benign familial infantile, 5 (BFIS5). Also called: CONVULSIONS, BENIGN FAMILIAL INFANTILE, 5. Identifiers: Orphanet 306, MedGen C4310728, MONDO:0014903, OMIM 617080.
Cognitive impairment with or without cerebellar ataxia (CIAT). Identifiers: MedGen C3280415, MONDO:0013680, OMIM 614306.
Developmental and epileptic encephalopathy, 13 (DEE13). Also called: SCN8A-Related Epilepsy; Developmental and Epileptic Encephalopathy (SCN8A-DEE); Early infantile epileptic encephalopathy 13. Identifiers: Orphanet 442835, MedGen C3281191, MONDO:0013801, OMIM 614558.
Myoclonus, familial, 2. Identifiers: MedGen C5193056, MONDO:0100092, OMIM 618364.

gnomAD v4.1: 4 of 1,603,876 alleles (0.00025%); highest among the groups gnomAD compares: South Asian, 0.0011%; no homozygotes.

Submissions (3):

Labcorp Genetics (formerly Invitae), Labcorp
Classification: Uncertain significance for Early-infantile DEE. Last evaluated: 2025-03-19. Review status: criteria provided, single submitter. Criteria: Invitae Variant Classification Sherloc (09022015). Collection method: clinical testing. Allele origin: germline.
Comment: This sequence change replaces glycine, which is neutral and non-polar, with alanine, which is neutral and non-polar, at codon 552 of the SCN8A protein (p.Gly552Ala). This variant is not present in population databases (gnomAD no frequency). This variant has not been reported in the literature in individuals affected with SCN8A-related conditions. ClinVar contains an entry for this variant (Variation ID: 659277). Invitae Evidence Modeling of protein sequence and biophysical properties (such as structural, functional, and spatial information, amino acid conservation, physicochemical variation, residue mobility, and thermodynamic stability) indicates that this missense variant is not expected to disrupt SCN8A protein function with a negative predictive value of 95%. In summary, the available evidence is currently insufficient to determine the role of this variant in disease. Therefore, it has been classified as a Variant of Uncertain Significance.

Department of Pathology and Laboratory Medicine, Sinai Health System
Classification: Uncertain significance for Cognitive impairment with or without cerebellar ataxia; Developmental and epileptic encephalopathy, 13; Seizures, benign familial infantile, 5; Myoclonus, familial, 2. Last evaluated: 2021-10-12. Review status: criteria provided, single submitter. Criteria: ACMG Guidelines, 2015. Collection method: research. Allele origin: germline.

PreventionGenetics, part of Exact Sciences
Classification: Uncertain significance for SCN8A-related condition. Last evaluated: 2023-10-27. Review status: no assertion criteria provided. Collection method: clinical testing. Allele origin: germline. Not counted in ClinVar's aggregate classification.
Comment: The SCN8A c.1655G>C variant is predicted to result in the amino acid substitution p.Gly552Ala. To our knowledge, this variant has not been reported in the literature or in a large population database, indicating this variant is rare. At this time, the clinical significance of this variant is uncertain due to the absence of conclusive functional and genetic evidence.

NM_001330260.2(SCN8A):c.1655G>C (p.Gly552Ala)

Gene: SCN8A (sodium voltage-gated channel alpha subunit 8; plus strand). Cytogenetic location: 12q13.13.
Variant type: single nucleotide variant.
Coding change: c.1655G>C on transcript NM_001330260.2 (MANE Select); coding-DNA position 1655, G replaced by C.
Protein change: p.Gly552Ala; replaces glycine 552 with alanine.
Molecular consequence: missense variant.
Genome position (GRCh38, 1-based): chr12:51,721,565, G>C. VCF-style: chr12-51721565-G-C. GRCh37 (hg19) VCF-style: chr12-52115349-G-C.
Other names: c.1655G>C, p.Gly552Ala (NM_001369788.1, NM_014191.4, NM_001177984.3); short protein forms G552A.
Identifiers: ClinVar variation 659277 (VCV000659277.12), dbSNP rs957905474, ClinGen allele CA236266889.
Genomic context (GRCh38, chr12:51,721,565, plus strand): 5'-CATTTCCCCGTCCCTCTCTCTTTCCCTGTCTGCCCCTGCAGTCACTGCTCAGCATCCCAG[G>C]CTCGCCCTTCCTCTCCCGCCACAACAGCAAGAGCAGCATCTTCAGTTTCAGGGGACCTGG-3'
Protein context (NP_001317189.1, residues 542-562): IMNQSLLSIP[Gly552Ala]SPFLSRHNSK